The following is an entry in ClinVar:

ClinVar aggregate classification (germline): Pathogenic/Likely pathogenic. Review status: criteria provided, multiple submitters, no conflicts (2 of 4 stars). 5 submissions from 5 submitters: Pathogenic (2); Likely pathogenic (3). Last evaluated 2025-11-05.

Conditions:
NPHP4-related disorder. Also called: NPHP4-related condition; NPHP4-related disorders. Identifiers: MedGen CN239384.
Nephronophthisis 4 (NPHP4). Also called: NEPHRONOPHTHISIS 4, JUVENILE. Identifiers: Orphanet 655, MedGen C1847013, MONDO:0011752, OMIM 606966.
Senior-Loken syndrome 4 (SLSN4). Identifiers: Orphanet 3156, MedGen C1846979, MONDO:0011756, OMIM 606996.

Submissions (5):

PreventionGenetics, part of Exact Sciences
Classification: Likely pathogenic for NPHP4-related condition. Last evaluated: 2025-11-05. Review status: criteria provided, single submitter. Criteria: ACMG Guidelines, 2015. Collection method: clinical testing. Allele origin: germline.
Comment: The NPHP4 c.3409_3412delTATC variant is predicted to result in a frameshift and premature protein termination (p.Tyr1137Thrfs*7). To our knowledge, this variant has not been reported in the literature. This variant is reported in 0.0031% of alleles in individuals of European (Non-Finnish) descent in gnomAD. Frameshift variants in NPHP4 are expected to be pathogenic. This variant is interpreted as likely pathogenic.

Victorian Clinical Genetics Services, Murdoch Childrens Research Institute
Classification: Pathogenic for Nephronophthisis 4. Last evaluated: 2025-03-13. Review status: criteria provided, single submitter. Criteria: ACMG Guidelines, 2015. Collection method: clinical testing. Allele origin: germline. Affected: yes.
Comment: This variant is classified as Pathogenic. Evidence in support of pathogenic classification: Variant is predicted to cause nonsense-mediated decay (NMD) and loss of protein (premature termination codon is located at least 54 nucleotides upstream of the final exon-exon junction); Variant is present in gnomAD <0.01 for a recessive condition (v4: 39 heterozygote(s), 0 homozygote(s)); Other NMD-predicted variant(s) comparable to the one identified in this case have very strong previous evidence for pathogenicity (DECIPHER, ClinVar). Additional information: This variant is heterozygous; This gene is associated with autosomal recessive disease; Loss of function is a known mechanism of disease in this gene and is associated with nephronophthisis 4, and Senior-Loken syndrome 4 (MIM#606996); Inheritance information for this variant is not currently available in this individual.

Fulgent Genetics
Classification: Likely pathogenic for Nephronophthisis 4; Senior-Loken syndrome 4. Last evaluated: 2022-04-06. Review status: criteria provided, single submitter. Criteria: ACMG Guidelines, 2015. Collection method: clinical testing. Allele origin: unknown.

Blueprint Genetics
Classification: Likely pathogenic for NPHP4-related disorders. Last evaluated: 2021-11-10. Review status: criteria provided, single submitter. Criteria: ACMG Guidelines, 2015. Collection method: clinical testing. Allele origin: germline. Affected: yes. Observed: 2 variant alleles.

Eurofins Ntd Llc (ga)
Classification: Pathogenic. Last evaluated: 2018-08-09. Review status: criteria provided, single submitter. Criteria: EGL ClinVar v180209 classification definitions. Collection method: clinical testing. Allele origin: germline. Observed: 1 variant allele, 1 heterozygote.

NM_015102.5(NPHP4):c.3409_3412del (p.Tyr1137fs)

Gene: NPHP4 (nephrocystin 4; minus strand). Cytogenetic location: 1p36.31.
Variant type: Deletion.
Coding change: c.3409_3412del on transcript NM_015102.5 (MANE Select); coding-DNA positions 3409 to 3412, 4 bases deleted (TATC; older notation c.3409_3412delTATC).
Protein change: p.Tyr1137fs; shifts the reading frame from tyrosine 1137.
Molecular consequence: frameshift variant. On other transcripts: non-coding transcript variant (1).
Genome position (GRCh38, 1-based): chr1:5,867,800-5,867,803, GATA deleted on the plus strand (TATC on the coding strand, the reverse complement: NPHP4 is on the minus strand); deleting any 4 consecutive bases within chr1:5,867,800-5,867,805 gives the same sequence; the c. name uses the placement nearest the transcript's 3' end. VCF-style (leftmost placement, unchanged base first): chr1-5867799-TGATA-T. GRCh37 (hg19) VCF-style: chr1-5927859-TGATA-T.
Other names: c.1870_1873del, p.Tyr624fs (NM_001291593.2); c.1873_1876del, p.Tyr625fs (NM_001291594.2); c.3409_3412delTATC (NM_015102.4); short protein forms Y624fs, Y625fs, Y1137fs.
Identifiers: ClinVar variation 598365 (VCV000598365.10), dbSNP rs762371581, ClinGen allele CA553624.
Genomic context (GRCh38, chr1:5,867,799, plus strand): 5'-CCTGGAAATGTGTGCCAGGGCGGCAGGCGGATGGCCTTCTTCAGGAAGGAGAGCTCCGGG[TGATA>T]GAAGCGGAAGACCTGGTCCACCACGTGGGGCTGCAGCTCCACAGTCAGGCAGAGCACGGC-3'